The following is an entry in ClinVar:

NM_014297.5(ETHE1):c.19_20dup (p.Val8fs)

Gene: ETHE1 (ETHE1 persulfide dioxygenase; minus strand). Cytogenetic location: 19q13.31.
Variant type: Duplication.
Coding change: c.19_20dup on transcript NM_014297.5 (MANE Select); coding-DNA positions 19 to 20, 2 bases duplicated (AG; older notation c.19_20dupAG).
Protein change: p.Val8fs; shifts the reading frame from valine 8.
Molecular consequence: frameshift variant. On other transcripts: 5 prime UTR variant (1).
Genome position (GRCh38, 1-based): chr19:43,527,158-43,527,159, CT duplicated on the plus strand (AG on the coding strand, the reverse complement: ETHE1 is on the minus strand); duplicating any 2 consecutive bases within chr19:43,527,158-43,527,160 gives the same sequence; the c. name uses the placement nearest the transcript's 3' end. VCF-style (leftmost placement, unchanged base first): chr19-43527157-C-CCT. GRCh37 (hg19) VCF-style: chr19-44031309-C-CCT.
Other names: c.19_20dup, p.Val8fs (NM_001320867.2, NM_001320869.2); c.-202_-201dup (NM_001320868.2); short protein forms V8fs.
Identifiers: ClinVar variation 2734186 (VCV002734186.4), dbSNP rs2513631762, ClinGen allele CA2697556613.

ClinVar aggregate classification (germline): Pathogenic (1 of 4 stars; one submission).

Conditions:
Ethylmalonic encephalopathy (EE). Also called: EPEMA syndrome; Encephalopathy, petechiae, and ethylmalonic aciduria; Syndrome of encephalopathy, petechiae, and ethylmalonic aciduria. Identifiers: Orphanet 51188, MedGen C1865349, MONDO:0011229, OMIM 602473. Disease mechanism: loss of function.

Submission:

Labcorp Genetics (formerly Invitae), Labcorp
Classification: Pathogenic for Ethylmalonic encephalopathy. Last evaluated: 2023-07-12. Review status: criteria provided, single submitter. Criteria: Invitae Variant Classification Sherloc (09022015). Collection method: clinical testing. Allele origin: germline.
Comment: For these reasons, this variant has been classified as Pathogenic. This variant has not been reported in the literature in individuals affected with ETHE1-related conditions. This variant is not present in population databases (gnomAD no frequency). This sequence change creates a premature translational stop signal (p.Val8Glyfs*7) in the ETHE1 gene. It is expected to result in an absent or disrupted protein product. Loss-of-function variants in ETHE1 are known to be pathogenic (PMID: 14732903, 19136963).

Literature cited by the submitters: PubMed 14732903; PubMed 19136963.